The following is an entry in ClinVar:

ClinVar aggregate classification (germline): Uncertain significance (1 of 4 stars; one submission).

Submission:

GeneDx
Classification: Uncertain significance. Last evaluated: 2024-04-09. Review status: criteria provided, single submitter. Criteria: GeneDx Variant Classification Process June 2021. Collection method: clinical testing. Allele origin: germline. Affected: yes.
Comment: Not observed at significant frequency in large population cohorts (gnomAD); In silico analysis supports that this missense variant has a deleterious effect on protein structure/function; Has not been previously published as pathogenic or benign to our knowledge

NM_002397.5(MEF2C):c.1225C>G (p.Pro409Ala)

Genes: MEF2C (myocyte enhancer factor 2C; minus strand), MEF2C-AS2 (MEF2C antisense RNA 2; plus strand). Cytogenetic location: 5q14.3.
Variant type: single nucleotide variant.
Coding change: c.1225C>G on transcript NM_002397.5 (MANE Select); coding-DNA position 1225, C replaced by G.
Protein change: p.Pro409Ala; replaces proline 409 with alanine.
Molecular consequence: missense variant. On other transcripts: non-coding transcript variant (1).
Genome position (GRCh38, 1-based): chr5:88,722,801, G>C on the plus strand (C>G on the coding strand, the complement: MEF2C is on the minus strand). VCF-style: chr5-88722801-G-C. GRCh37 (hg19) VCF-style: chr5-88018618-G-C.
Other names: c.1195C>G, p.Pro399Ala (NM_001131005.2); c.1255C>G, p.Pro419Ala (NM_001193347.1); c.1057C>G, p.Pro353Ala (NM_001193348.1); c.985C>G, p.Pro329Ala (NM_001193349.3, NM_001364332.2); c.1225C>G, p.Pro409Ala (NM_001193350.2, NM_001364329.2, NM_001364330.2 and 1 more transcripts); c.1201C>G, p.Pro401Ala (NM_001308002.3, NM_001364333.2); c.1129C>G, p.Pro377Ala (NM_001363581.2, NM_001364334.2, NM_001364335.2 and 2 more transcripts); c.1159C>G, p.Pro387Ala (NM_001364338.2); and 10 more; short protein forms P227A, P251A, P283A, P328R, P329A, P353A, P361A, P366R.
Identifiers: ClinVar variation 3372118 (VCV003372118.1).